The following is an entry in ClinVar:

ClinVar aggregate classification (germline): Pathogenic. Review status: criteria provided, multiple submitters, no conflicts (2 of 4 stars). 2 submissions from 2 submitters: Pathogenic (2). Last evaluated 2025-04-01.

Submissions (2):

CeGaT Center for Human Genetics Tuebingen
Classification: Pathogenic. Last evaluated: 2025-04-01. Review status: criteria provided, single submitter. Criteria: CeGaT Center For Human Genetics Tuebingen Variant Classification Criteria Version 2. Collection method: clinical testing. Allele origin: germline. Affected: yes. Observed: 1 variant allele.
Comment: KRIT1: PVS1, PM2, PS4:Supporting

PreventionGenetics, part of Exact Sciences
Classification: Pathogenic. Last evaluated: 2018-01-09. Review status: criteria provided, single submitter. Criteria: ACMG Guidelines, 2015. Collection method: clinical testing. Allele origin: germline.

NM_194454.3(KRIT1):c.679dup (p.Thr227fs)

Gene: KRIT1 (KRIT1 ankyrin repeat containing; minus strand). Cytogenetic location: 7q21.2.
Variant type: Duplication.
Coding change: c.679dup on transcript NM_194454.3 (MANE Select); coding-DNA position 679, one base duplicated (A; older notation c.679dupA).
Protein change: p.Thr227fs; shifts the reading frame from threonine 227.
Molecular consequence: frameshift variant. On other transcripts: intron variant (1).
Genome position (GRCh38, 1-based): chr7:92,235,453, T duplicated on the plus strand (A on the coding strand, the reverse complement: KRIT1 is on the minus strand). VCF-style (leftmost placement, unchanged base first): chr7-92235452-G-GT. GRCh37 (hg19) VCF-style: chr7-91864766-G-GT.
Other names: c.679dupA (NM_194456.1); c.679dup, p.Thr227fs (NM_001013406.2, NM_001350669.1, NM_001350670.1 and 29 more transcripts); c.15+81dup (NM_001350671.1); short protein forms T227fs.
Identifiers: ClinVar variation 590749 (VCV000590749.9), dbSNP rs1563305588, ClinGen allele CA891862699.